The following is an entry in ClinVar:

ClinVar aggregate classification (germline): Uncertain significance. Review status: criteria provided, multiple submitters, no conflicts (2 of 4 stars). 3 submissions from 3 submitters: Uncertain significance (3). Last evaluated 2025-08-03.

Conditions:
Inborn genetic diseases. Identifiers: MedGen C0950123, MeSH D030342.
Arterial calcification, generalized, of infancy, 2. Identifiers: Orphanet 51608, MedGen C3276161, MONDO:0013768, OMIM 614473.
Autosomal recessive inherited pseudoxanthoma elasticum (PXE). Identifiers: Orphanet 758, MedGen CN032334, MONDO:0009925, OMIM 264800.
Pseudoxanthoma elasticum, forme fruste. Also called: Pseudoxanthoma Elasticum, Incomplete; PSEUDOXANTHOMA ELASTICUM, HETEROZYGOUS. Identifiers: Orphanet 758, MedGen C1867450, MONDO:0008333, OMIM 177850.

Allele frequency attached by ClinVar (database versions not stated): gnomAD exomes 0.00003; ESP Exome Variant Server 0.00008; TOPMed 0.00016; ExAC 0.00003; gnomAD 0.00011 and 0.00010.
gnomAD v4.1: 34 of 1,613,894 alleles (0.0021%); highest among the groups gnomAD compares: African/African-American, 0.037%; no homozygotes.

Submissions (3):

Ambry Genetics
Classification: Uncertain significance for Inborn genetic diseases. Last evaluated: 2025-08-03. Review status: criteria provided, single submitter. Criteria: Ambry Variant Classification Scheme 2023. Collection method: clinical testing. Allele origin: germline.

Fulgent Genetics
Classification: Uncertain significance for Pseudoxanthoma elasticum, forme fruste; Autosomal recessive inherited pseudoxanthoma elasticum; Arterial calcification, generalized, of infancy, 2. Last evaluated: 2022-05-08. Review status: criteria provided, single submitter. Criteria: ACMG Guidelines, 2015. Collection method: clinical testing. Allele origin: unknown.

Laboratorio de Genetica e Diagnostico Molecular, Hospital Israelita Albert Einstein
Classification: Uncertain significance. Last evaluated: 2019-03-21. Review status: criteria provided, single submitter. Criteria: ACMG Guidelines, 2015. Collection method: clinical testing. Allele origin: germline. Affected: yes.
Comment: ACMG classification criteria: PM1, PM2, PP2, BP4

NM_001171.6(ABCC6):c.1120C>G (p.Leu374Val)

Gene: ABCC6 (ATP binding cassette subfamily C member 6; minus strand). Cytogenetic location: 16p13.11.
Variant type: single nucleotide variant.
Coding change: c.1120C>G on transcript NM_001171.6 (MANE Select); coding-DNA position 1120, C replaced by G.
Protein change: p.Leu374Val; replaces leucine 374 with valine.
Molecular consequence: missense variant. On other transcripts: non-coding transcript variant (1).
Genome position (GRCh38, 1-based): chr16:16,202,057, G>C on the plus strand (C>G on the coding strand, the complement: ABCC6 is on the minus strand). VCF-style: chr16-16202057-G-C. GRCh37 (hg19) VCF-style: chr16-16295914-G-C.
Other names: c.1120C>G (NM_001171.5); c.778C>G, p.Leu260Val (NM_001351800.1); short protein forms L260V, L374V.
Identifiers: ClinVar variation 1690709 (VCV001690709.7), dbSNP rs370022963, ClinGen allele CA7926461.